The following is an entry in ClinVar:

NM_020381.4(PDSS2):c.124TCC[1] (p.Ser43del)

Gene: PDSS2 (decaprenyl diphosphate synthase subunit 2; minus strand). Cytogenetic location: 6q21.
Variant type: Microsatellite.
Coding change: c.124TCC[1] on transcript NM_020381.4 (MANE Select); one copy of the 3-base unit TCC starting at c.124; the reference has two copies in a row; one copy, 3 bases deleted.
Protein change: p.Ser43del; deletes serine 43.
Molecular consequence: inframe deletion.
Genome position (GRCh38, 1-based): chr6:107,459,157-107,459,159, GGA deleted on the plus strand (TCC on the coding strand, the reverse complement: PDSS2 is on the minus strand); deleting any 3 consecutive bases within chr6:107,459,157-107,459,162 gives the same sequence; the position shown is the placement nearest the transcript's 3' end. VCF-style (leftmost placement, unchanged base first): chr6-107459156-TGGA-T. GRCh37 (hg19) VCF-style: chr6-107780360-TGGA-T.
Other names: c.127_129delTCC (NM_020381.3); short protein forms S43del.
Identifiers: ClinVar variation 2178985 (VCV002178985.3), dbSNP rs759725238, ClinGen allele CA3946191.

ClinVar aggregate classification (germline): Uncertain significance. Review status: criteria provided, single submitter (1 of 4 stars). 2 submissions from 2 submitters: Uncertain significance (1). 1 of the submissions does not count toward it. Last evaluated 2024-06-03.

Conditions:
PDSS2-related disorder. Also called: PDSS2-related condition.

Submissions (2):

Labcorp Genetics (formerly Invitae), Labcorp
Classification: Uncertain significance. Last evaluated: 2024-06-03. Review status: criteria provided, single submitter. Criteria: Invitae Variant Classification Sherloc (09022015). Collection method: clinical testing. Allele origin: germline.
Comment: This variant, c.127_129del, results in the deletion of 1 amino acid(s) of the PDSS2 protein (p.Ser43del), but otherwise preserves the integrity of the reading frame. This variant is present in population databases (rs759725238, gnomAD 0.02%). This variant has not been reported in the literature in individuals affected with PDSS2-related conditions. Experimental studies and prediction algorithms are not available or were not evaluated, and the functional significance of this variant is currently unknown. In summary, the available evidence is currently insufficient to determine the role of this variant in disease. Therefore, it has been classified as a Variant of Uncertain Significance.

PreventionGenetics, part of Exact Sciences
Classification: Uncertain significance for PDSS2-related condition. Last evaluated: 2024-03-18. Review status: no assertion criteria provided. Collection method: clinical testing. Allele origin: germline. Not counted in ClinVar's aggregate classification.
Comment: The PDSS2 c.127_129delTCC variant is predicted to result in an in-frame deletion (p.Ser43del). To our knowledge, this variant has not been reported in the literature. This variant is reported in 0.016% of alleles in individuals of East Asian descent in gnomAD. At this time, the clinical significance of this variant is uncertain due to the absence of conclusive functional and genetic evidence.